The following is an entry in ClinVar:

ClinVar aggregate classification (germline): Uncertain significance (1 of 4 stars; one submission).

Conditions:
Hereditary cancer-predisposing syndrome. Also called: Tumor predisposition; Hereditary neoplastic syndrome; Hereditary Cancer Syndrome; Neoplastic Syndromes, Hereditary. Identifiers: Orphanet 140162, MedGen C0027672, MeSH D009386, MONDO:0015356.

Submission:

Ambry Genetics
Classification: Uncertain significance for Hereditary cancer-predisposing syndrome. Last evaluated: 2025-04-05. Review status: criteria provided, single submitter. Criteria: Ambry Variant Classification Scheme 2023. Collection method: clinical testing. Allele origin: germline.
Comment: The p.K45T variant (also known as c.134A>C), located in coding exon 2 of the SDHAF2 gene, results from an A to C substitution at nucleotide position 134. The lysine at codon 45 is replaced by threonine, an amino acid with similar properties. This amino acid position is conserved. In addition, this alteration is predicted to be tolerated by in silico analysis. Based on the available evidence, the clinical significance of this variant remains unclear.

NM_017841.4(SDHAF2):c.134A>C (p.Lys45Thr)

Gene: SDHAF2 (succinate dehydrogenase complex assembly factor 2; plus strand). Cytogenetic location: 11q12.2.
Variant type: single nucleotide variant.
Coding change: c.134A>C on transcript NM_017841.4 (MANE Select); coding-DNA position 134, A replaced by C.
Protein change: p.Lys45Thr; replaces lysine 45 with threonine.
Molecular consequence: missense variant.
Genome position (GRCh38, 1-based): chr11:61,437,722, A>C. VCF-style: chr11-61437722-A-C. GRCh37 (hg19) VCF-style: chr11-61205194-A-C.
Other names: short protein forms K45T.
Identifiers: ClinVar variation 3951372 (VCV003951372.1).